The following is an entry in ClinVar:

ClinVar aggregate classification (germline): Conflicting classifications of pathogenicity. Review status: criteria provided, conflicting classifications (1 of 4 stars). 8 submissions from 8 submitters: Uncertain significance (5); Likely benign (3). Last evaluated 2026-05-14.

Conditions:
TTN-related disorder. Also called: TTN-related condition; TTN-related disease; TTN-related disorders.
Cardiovascular phenotype. Identifiers: MedGen CN230736.
Autosomal recessive limb-girdle muscular dystrophy type 2J (LGMDR10). Also called: Limb-girdle muscular dystrophy, type 2J; MUSCULAR DYSTROPHY, LIMB-GIRDLE, AUTOSOMAL RECESSIVE 10. Identifiers: Orphanet 140922, MedGen C1837342, MONDO:0012127, OMIM 608807.
Dilated cardiomyopathy 1G (CMD1G). Identifiers: Orphanet 154, MedGen C1858763, MONDO:0011400, OMIM 604145.

Allele frequency attached by ClinVar (database versions not stated): gnomAD 0.00003 and 0.00004; gnomAD exomes 0.00003 and 0.00007; TOPMed 0.00003; ExAC 0.00010; 1000 Genomes Project 30x 0.00016; 1000 Genomes Project 0.00020.
gnomAD v4.1: 57 of 1,610,892 alleles (0.0035%); highest among the groups gnomAD compares: Middle Eastern, 0.017%; no homozygotes.

Submissions (8):

PreventionGenetics, part of Exact Sciences
Classification: Uncertain significance for TTN-related condition. Last evaluated: 2026-05-14. Review status: criteria provided, single submitter. Criteria: ACMG Guidelines, 2015. Collection method: clinical testing. Allele origin: germline.
Comment: The TTN c.95149G>A variant is predicted to result in the amino acid substitution p.Val31717Ile. To our knowledge, this variant has not been reported in the literature. This variant is reported in 0.011% of alleles in individuals of European (Non-Finnish) descent in gnomAD. At this time, the clinical significance of this variant is uncertain due to the absence of conclusive functional and genetic evidence.

Molecular Diagnostic Laboratory for Inherited Cardiovascular Disease, Montreal Heart Institute
Classification: Likely benign. Last evaluated: 2025-04-09. Review status: criteria provided, single submitter. Criteria: ACMG Guidelines, 2015. Collection method: clinical testing. Allele origin: germline. Affected: no.

CeGaT Center for Human Genetics Tuebingen
Classification: Likely benign. Last evaluated: 2025-04-01. Review status: criteria provided, single submitter. Criteria: CeGaT Center For Human Genetics Tuebingen Variant Classification Criteria Version 2. Collection method: clinical testing. Allele origin: germline. Affected: yes. Observed: 1 variant allele.
Comment: TTN: BP4

Women's Health and Genetics/Laboratory Corporation of America, LabCorp
Classification: Uncertain significance. Last evaluated: 2022-05-24. Review status: criteria provided, single submitter. Criteria: LabCorp Variant Classification Summary - May 2015. Collection method: clinical testing. Allele origin: germline.
Comment: Variant summary: TTN c.87445G>A (p.Val29149Ile) results in a conservative amino acid change located in the A-band of the encoded protein sequence. Five of five in-silico tools predict a benign effect of the variant on protein function. The variant allele was found at a frequency of 7.3e-05 in 245850 control chromosomes. This frequency is not significantly higher than expected for a pathogenic variant in TTN causing Dilated Cardiomyopathy (7.3e-05 vs 0.00039), allowing no conclusion about variant significance. To our knowledge, no occurrence of c.87445G>A in individuals affected with Dilated Cardiomyopathy and no experimental evidence demonstrating its impact on protein function have been reported. Three clinical diagnostic laboratories have submitted clinical-significance assessments for this variant to ClinVar after 2014 without evidence for independent evaluation (likely benign n=1, VUS n=2). Based on the evidence outlined above, the variant was classified as uncertain significance.

GeneDx
Classification: Uncertain significance. Last evaluated: 2019-11-30. Review status: criteria provided, single submitter. Criteria: GeneDx Variant Classification Process June 2021. Collection method: clinical testing. Allele origin: germline. Affected: yes.
Comment: In silico analysis, which includes protein predictors and evolutionary conservation, supports that this variant does not alter protein structure/function; Has not been previously published as pathogenic or benign to our knowledge

Ambry Genetics
Classification: Uncertain significance for Cardiovascular phenotype. Last evaluated: 2019-01-07. Review status: criteria provided, single submitter. Criteria: Ambry Variant Classification Scheme 2023. Collection method: clinical testing. Allele origin: germline.
Comment: The p.V22652I variant (also known as c.67954G>A), located in coding exon 170 of the TTN gene, results from a G to A substitution at nucleotide position 67954. The valine at codon 22652 is replaced by isoleucine, an amino acid with highly similar properties. This amino acid position is not well conserved in available vertebrate species, and isoleucine is the reference amino acid in other vertebrate species. In addition, this alteration is predicted to be tolerated by in silico analysis. Since supporting evidence is limited at this time, the clinical significance of this alteration remains unclear.

Labcorp Genetics (formerly Invitae), Labcorp
Classification: Uncertain significance for Dilated cardiomyopathy 1G; Autosomal recessive limb-girdle muscular dystrophy type 2J. Last evaluated: 2017-12-05. Review status: criteria provided, single submitter. Criteria: Invitae Variant Classification Sherloc (09022015). Collection method: clinical testing. Allele origin: germline.

Laboratory for Molecular Medicine, Mass General Brigham Personalized Medicine
Classification: Likely benign. Last evaluated: 2015-07-02. Review status: criteria provided, single submitter. Criteria: LMM Criteria. Collection method: clinical testing. Allele origin: germline. Observed: 1 variant allele.
Comment: p.Val29149Ile in exon 292 of TTN: This variant is not expected to have clinical significance due to a lack of conservation across species, including mammals. Of note, 7 mammals (gorilla, marmoset, weddel seal, tenrec, opossum, tasmanian dev il and wallaby) and >20 non-mammalian species have an isoleucine (Ile) at this p osition despite high nearby amino acid conservation, supporting that this change may be tolerated. This variant has also been identified in 11/65786 European ch romosomes by the Exome Aggregation Consortium (ExAC. org; dbSNP rs150930737).

NM_001267550.2(TTN):c.95149G>A (p.Val31717Ile)

Genes: TTN (titin; minus strand), TTN-AS1 (TTN antisense RNA 1; plus strand). Cytogenetic location: 2q31.2.
Variant type: single nucleotide variant.
Coding change: c.95149G>A on transcript NM_001267550.2 (MANE Select); coding-DNA position 95149, G replaced by A.
Protein change: p.Val31717Ile; replaces valine 31717 with isoleucine.
Molecular consequence: missense variant.
Genome position (GRCh38, 1-based): chr2:178,546,087, C>T on the plus strand (G>A on the coding strand, the complement: TTN is on the minus strand). VCF-style: chr2-178546087-C-T. GRCh37 (hg19) VCF-style: chr2-179410814-C-T.
Other names: c.90226G>A, p.Val30076Ile (NM_001256850.1); c.67954G>A, p.Val22652Ile (NM_003319.4); c.68329G>A, p.Val22777Ile (NM_133432.3); c.68530G>A, p.Val22844Ile (NM_133437.4); c.87445G>A, p.Val29149Ile (NM_133378.4); short protein forms V29149I, V31717I, V22652I, V22777I, V22844I, V30076I.
Identifiers: ClinVar variation 228169 (VCV000228169.23), dbSNP rs150930737, ClinGen allele CA1986999.